The following is an entry in ClinVar:

ClinVar aggregate classification (germline): Uncertain significance. Review status: criteria provided, single submitter (1 of 4 stars). 2 submissions from 2 submitters: Uncertain significance (1). 1 of the submissions does not count toward it. Last evaluated 2022-03-30.

Conditions:
SLCO1B3-related disorder. Also called: SLCO1B3-related condition.
Rotor syndrome (HBLRR). Also called: HYPERBILIRUBINEMIA, ROTOR TYPE; HYPERBILIRUBINEMIA, ROTOR TYPE, DIGENIC. Identifiers: Orphanet 3111, MedGen C0220991, MONDO:0009379, OMIM 237450.

Allele frequency attached by ClinVar (database versions not stated): TOPMed below 0.00001; gnomAD exomes 0.00001.
gnomAD v4.1: 8 of 1,595,182 alleles (0.0005%); highest among the groups gnomAD compares: Admixed American, 0.013%; no homozygotes.

Submissions (2):

ARUP Laboratories, Molecular Genetics and Genomics, ARUP Laboratories
Classification: Uncertain significance for Rotor syndrome. Last evaluated: 2022-03-30. Review status: criteria provided, single submitter. Criteria: ARUP Molecular Germline Variant Investigation Process 2021. Collection method: clinical testing. Allele origin: germline.

PreventionGenetics, part of Exact Sciences
Classification: Uncertain significance for SLCO1B3-related condition. Last evaluated: 2024-07-08. Review status: no assertion criteria provided. Collection method: clinical testing. Allele origin: germline. Not counted in ClinVar's aggregate classification.
Comment: The SLCO1B3 c.263G>T variant is predicted to result in the amino acid substitution p.Gly88Val. To our knowledge, this variant has not been reported in the literature. This variant is reported in 0.017% of alleles in individuals of Latino descent in gnomAD. At this time, the clinical significance of this variant is uncertain due to the absence of conclusive functional and genetic evidence.

NM_019844.4(SLCO1B3):c.263G>T (p.Gly88Val)

Genes: SLCO1B3 (solute carrier organic anion transporter family member 1B3; plus strand), SLCO1B3-SLCO1B7 (SLCO1B3-SLCO1B7 readthrough; plus strand). Cytogenetic location: 12p12.2.
Variant type: single nucleotide variant.
Coding change: c.263G>T on transcript NM_019844.4 (MANE Select); coding-DNA position 263, G replaced by T.
Protein change: p.Gly88Val; replaces glycine 88 with valine.
Molecular consequence: missense variant.
Genome position (GRCh38, 1-based): chr12:20,858,475, G>T. VCF-style: chr12-20858475-G-T. GRCh37 (hg19) VCF-style: chr12-21011409-G-T.
Other names: c.263G>T, p.Gly88Val (NM_001371097.1); c.179G>T, p.Gly60Val (NM_001349920.2); short protein forms G60V, G88V.
Identifiers: ClinVar variation 2428609 (VCV002428609.5), dbSNP rs1202126191, ClinGen allele CA384098873.